The following is an entry in ClinVar:

NM_001035.3(RYR2):c.13782+20A>G

Gene: RYR2 (ryanodine receptor 2; plus strand). Cytogenetic location: 1q43.
Variant type: single nucleotide variant.
Coding change: c.13782+20A>G on transcript NM_001035.3 (MANE Select); 20 bases into the intron after coding-DNA position 13782, A replaced by G.
Molecular consequence: intron variant.
Genome position (GRCh38, 1-based): chr1:237,792,343, A>G. VCF-style: chr1-237792343-A-G. GRCh37 (hg19) VCF-style: chr1-237955643-A-G.
Identifiers: ClinVar variation 928864 (VCV000928864.23), dbSNP rs368059068, ClinGen allele CA085446.
Genomic context (GRCh38, chr1:237,792,343, plus strand): 5'-TCATTTCTTTCTTCTGCATCATTGGATACTACTGCTTGAAAGTAAGATAGTAAGGCACCA[A>G]GGTACCTGTGTGTGTGTGTGTGTGTGTGTGTGTGTGTGCGTGTGTGTGTGTGTGCGTGTG-3'

ClinVar aggregate classification (germline): Benign/Likely benign. Review status: criteria provided, multiple submitters, no conflicts (2 of 4 stars). 5 submissions from 5 submitters: Benign (4); Likely benign (1). Last evaluated 2026-01-31.

Conditions:
Catecholaminergic polymorphic ventricular tachycardia 1. Also called: VENTRICULAR TACHYCARDIA, STRESS-INDUCED POLYMORPHIC 1; VENTRICULAR TACHYCARDIA, CATECHOLAMINERGIC POLYMORPHIC, 1, WITH OR WITHOUT ATRIAL DYSFUNCTION AND/OR DILATED CARDIOMYOPATHY; RYR2-Related Catecholaminergic Polymorphic Ventricular Tachycardia. Identifiers: Orphanet 3286, MedGen C1631597, MONDO:0011484, OMIM 604772.

Allele frequency attached by ClinVar (database versions not stated): gnomAD exomes 0.00014 and 0.00034; ExAC 0.00033; 1000 Genomes Project 30x 0.00062; 1000 Genomes Project 0.00080; ESP Exome Variant Server 0.00105; gnomAD 0.00145 and 0.00162; TOPMed 0.00147.
gnomAD v4.1: 401 of 1,516,988 alleles (0.026%); highest among the groups gnomAD compares: African/African-American, 0.53%; no homozygotes.

Submissions (5):

Labcorp Genetics (formerly Invitae), Labcorp
Classification: Benign for Catecholaminergic polymorphic ventricular tachycardia 1. Last evaluated: 2026-01-31. Review status: criteria provided, single submitter. Criteria: Invitae Variant Classification Sherloc (09022015). Collection method: clinical testing. Allele origin: germline.

ARUP Laboratories, Molecular Genetics and Genomics, ARUP Laboratories
Classification: Benign. Last evaluated: 2025-07-08. Review status: criteria provided, single submitter. Criteria: ARUP Molecular Germline Variant Investigation Process 2024. Collection method: clinical testing. Allele origin: germline.

Blueprint Genetics
Classification: Likely benign. Last evaluated: 2024-10-07. Review status: criteria provided, single submitter. Criteria: ACMG Guidelines, 2015. Collection method: clinical testing. Allele origin: germline.

Women's Health and Genetics/Laboratory Corporation of America, LabCorp
Classification: Benign. Last evaluated: 2019-12-09. Review status: criteria provided, single submitter. Criteria: LabCorp Variant Classification Summary - May 2015. Collection method: clinical testing. Allele origin: germline.
Comment: Variant summary: RYR2 c.13782+20A>G alters a nucleotide located close to a canonical splice site and therefore could affect mRNA splicing, leading to a significantly altered protein sequence. Several computational tools predict a significant impact on normal splicing: One predict the variant abolishes a cryptic 5 donor site. Two predict the variant weakens a cryptic 5 donor site. Two predict the variant no significant impact on splicing. However, these predictions have yet to be confirmed by functional studies. The variant allele was found at a frequency of 0.00034 in 223180 control chromosomes, predominantly at a frequency of 0.005 within the African or African-American subpopulation in the gnomAD database. The observed variant frequency within African or African-American control individuals in the gnomAD database is approximately 200 fold of the estimated maximal expected allele frequency for a pathogenic variant in RYR2 causing Cardiomyopathy phenotype (2.5e-05), strongly suggesting that the variant is a benign polymorphism found primarily in populations of African or African-American origin. To our knowledge, no occurrence of c.13782+20A>G in individuals affected with Cardiomyopathy and no experimental evidence demonstrating its impact on protein function have been reported. No clinical diagnostic laboratories have submitted clinical-significance assessments for this variant to ClinVar after 2014. Based on the evidence outlined above, the variant was classified as benign.

GeneDx
Classification: Benign. Last evaluated: 2015-03-03. Review status: criteria provided, single submitter. Criteria: GeneDx Variant Classification Process June 2021. Collection method: clinical testing. Allele origin: germline. Affected: yes.